The following is an entry in ClinVar:

NM_173630.4(RTTN):c.1324G>A (p.Val442Met)

Gene: RTTN (rotatin; minus strand). Cytogenetic location: 18q22.2.
Variant type: single nucleotide variant.
Coding change: c.1324G>A on transcript NM_173630.4 (MANE Select); coding-DNA position 1324, G replaced by A.
Protein change: p.Val442Met; replaces valine 442 with methionine.
Molecular consequence: missense variant. On other transcripts: 5 prime UTR variant (1).
Genome position (GRCh38, 1-based): chr18:70,176,827, C>T on the plus strand (G>A on the coding strand, the complement: RTTN is on the minus strand). VCF-style: chr18-70176827-C-T. GRCh37 (hg19) VCF-style: chr18-67844063-C-T.
Other names: c.-1230G>A (NM_001318520.2); short protein forms V442M.
Identifiers: ClinVar variation 3686454 (VCV003686454.2).
Genomic context (GRCh38, chr18:70,176,827, plus strand): 5'-GCTGCTCCAAACTGATACTACTTTTATGGTAGCACATGGTTTCTCCAAGGGCTCCCAACA[C>T]CAGGAGTAGTTTCTCCTTCTGAAAACATTTACACAACATGAAACAGAAGAAAACAACCAA-3'
Protein context (NP_775901.3, residues 432-452): GIDMKEKLLL[Val442Met]LGALGETMCY

ClinVar aggregate classification (germline): Uncertain significance (1 of 4 stars; one submission).

gnomAD v4.1: 3 of 1,612,972 alleles (0.00019%); highest among the groups gnomAD compares: African/African-American, 0.0027%; no homozygotes.

Submission:

Labcorp Genetics (formerly Invitae), Labcorp
Classification: Uncertain significance. Last evaluated: 2024-12-04. Review status: criteria provided, single submitter. Criteria: Invitae Variant Classification Sherloc (09022015). Collection method: clinical testing. Allele origin: germline.
Comment: This sequence change replaces valine, which is neutral and non-polar, with methionine, which is neutral and non-polar, at codon 442 of the RTTN protein (p.Val442Met). This variant is not present in population databases (gnomAD no frequency). This variant has not been reported in the literature in individuals affected with RTTN-related conditions. Invitae Evidence Modeling of protein sequence and biophysical properties (such as structural, functional, and spatial information, amino acid conservation, physicochemical variation, residue mobility, and thermodynamic stability) indicates that this missense variant is not expected to disrupt RTTN protein function with a negative predictive value of 80%. In summary, the available evidence is currently insufficient to determine the role of this variant in disease. Therefore, it has been classified as a Variant of Uncertain Significance.